The following is an entry in ClinVar:

NM_005045.4(RELN):c.4449_4450del (p.Tyr1484fs)

Gene: RELN (reelin; minus strand). Cytogenetic location: 7q22.1.
Variant type: Microsatellite.
Coding change: c.4449_4450del on transcript NM_005045.4 (MANE Select); coding-DNA positions 4449 to 4450, 2 bases deleted (CT; older notation c.4449_4450delCT).
Protein change: p.Tyr1484fs; shifts the reading frame from tyrosine 1484.
Molecular consequence: frameshift variant.
Genome position (GRCh38, 1-based): chr7:103,574,153-103,574,154, AG deleted on the plus strand (CT on the coding strand, the reverse complement: RELN is on the minus strand); deleting any 2 consecutive bases within chr7:103,574,153-103,574,159 gives the same sequence; the c. name uses the placement nearest the transcript's 3' end. VCF-style (leftmost placement, unchanged base first): chr7-103574152-TAG-T. GRCh37 (hg19) VCF-style: chr7-103214599-TAG-T.
Other names: c.4449_4450del, p.Tyr1484fs (NM_173054.3); short protein forms Y1484fs.
Identifiers: ClinVar variation 1457198 (VCV001457198.6), dbSNP rs2117205170, ClinGen allele CA2580615962.

ClinVar aggregate classification (germline): Pathogenic (1 of 4 stars; one submission).

Conditions:
Norman-Roberts syndrome (LIS2). Also called: Lissencephaly 2 (Norman-Roberts type). Identifiers: Orphanet 89844, MedGen C0796089, MONDO:0009760, OMIM 257320.
Familial temporal lobe epilepsy 7. Identifiers: Orphanet 101046, MedGen C4225327, MONDO:0014639, OMIM 616436.

Submission:

Labcorp Genetics (formerly Invitae), Labcorp
Classification: Pathogenic for Familial temporal lobe epilepsy 7; Norman-Roberts syndrome. Last evaluated: 2024-02-23. Review status: criteria provided, single submitter. Criteria: Invitae Variant Classification Sherloc (09022015). Collection method: clinical testing. Allele origin: germline.
Comment: This sequence change creates a premature translational stop signal (p.Tyr1484Leufs*43) in the RELN gene. It is expected to result in an absent or disrupted protein product. Loss-of-function variants in RELN are known to be pathogenic (PMID: 10973257, 26046367, 28454995). This variant is not present in population databases (gnomAD no frequency). This variant has not been reported in the literature in individuals affected with RELN-related conditions. For these reasons, this variant has been classified as Pathogenic.

Literature cited by the submitters: PubMed 10973257; PubMed 26046367; PubMed 28454995.